The following is an entry in ClinVar:

ClinVar aggregate classification (germline): Likely benign (1 of 4 stars; one submission).

Submission:

GeneDx
Classification: Likely benign. Last evaluated: 2016-02-23. Review status: criteria provided, single submitter. Criteria: GeneDx Variant Classification (06012015). Collection method: clinical testing. Allele origin: germline. Affected: yes.
Comment: This variant is considered likely benign or benign based on one or more of the following criteria: it is a conservative change, it occurs at a poorly conserved position in the protein, it is predicted to be benign by multiple in silico algorithms, and/or has population frequency not consistent with disease.

NM_001698.3(AUH):c.894+13A>C

Gene: AUH (AU RNA binding methylglutaconyl-CoA hydratase; minus strand). Cytogenetic location: 9q22.31.
Variant type: single nucleotide variant.
Coding change: c.894+13A>C on transcript NM_001698.3 (MANE Select); 13 bases into the intron after coding-DNA position 894, A replaced by C.
Molecular consequence: intron variant.
Genome position (GRCh38, 1-based): chr9:91,217,264, T>G on the plus strand (A>C on the coding strand, the complement: AUH is on the minus strand). VCF-style: chr9-91217264-T-G. GRCh37 (hg19) VCF-style: chr9-93979546-T-G.
Other names: c.807+13A>C (NM_001306190.2); c.567+13A>C (NM_001351433.2, NM_001351431.2, NM_001351432.2).
Identifiers: ClinVar variation 383639 (VCV000383639.1), dbSNP rs1057521698, ClinGen allele CA16605876.